The following is an entry in ClinVar:

ClinVar aggregate classification (germline): Pathogenic (1 of 4 stars; one submission).

Conditions:
Familial adenomatous polyposis 4 (FAP4). Also called: MSH3-related attenuated familial adenomatous polyposis. Identifiers: Orphanet 480536, MedGen C4310719, MONDO:0044300, OMIM 617100.

Submission:

Myriad Genetics, Inc.
Classification: Pathogenic for Familial adenomatous polyposis 4. Last evaluated: 2023-08-30. Review status: criteria provided, single submitter. Criteria: Myriad Autosomal Dominant, Autosomal Recessive and X-Linked Classification Criteria (2023). Collection method: clinical testing. Allele origin: unknown.
Comment: This variant is considered pathogenic. This variant creates a frameshift predicted to result in premature protein truncation.

NM_002439.5(MSH3):c.1869_1873delinsCATTTA (p.Arg623fs)

Gene: MSH3 (mutS homolog 3; plus strand). Cytogenetic location: 5q14.1.
Variant type: Indel.
Coding change: c.1869_1873delinsCATTTA on transcript NM_002439.5 (MANE Select); coding-DNA positions 1869 to 1873, GGGAC replaced by CATTTA.
Protein change: p.Arg623fs; shifts the reading frame from arginine 623.
Molecular consequence: frameshift variant.
Genome position (GRCh38, 1-based): chr5:80,761,651-80,761,655, GGGAC replaced by CATTTA. VCF-style: chr5-80761651-GGGAC-CATTTA. GRCh37 (hg19) VCF-style: chr5-80057470-GGGAC-CATTTA.
Other names: short protein forms R623fs.
Identifiers: ClinVar variation 2673568 (VCV002673568.1), dbSNP rs2546770092, ClinGen allele CA2695198669.
Genomic context (GRCh38, chr5:80,761,651, plus strand): 5'-AGAATCTAGTGTGTTTGGTCAGATAGAAAATCATCTACGTAAATTGCCCGACATAGAGAG[GGGAC>CATTTA]TCTGTAGCATTTATCACAAAAAAGTAAGTGTGATAGAAATCTATTAAAGCTGACAGTGTT-3'